The following is an entry in ClinVar:

ClinVar aggregate classification (germline): Uncertain significance (1 of 4 stars; one submission).

Conditions:
Cardiovascular phenotype. Identifiers: MedGen CN230736.

Submission:

Ambry Genetics
Classification: Uncertain significance for Cardiovascular phenotype. Last evaluated: 2025-04-08. Review status: criteria provided, single submitter. Criteria: Ambry Variant Classification Scheme 2023. Collection method: clinical testing. Allele origin: germline.
Comment: The p.V368I variant (also known as c.1102G>A), located in coding exon 10 of the PTPN11 gene, results from a G to A substitution at nucleotide position 1102. The valine at codon 368 is replaced by isoleucine, an amino acid with highly similar properties. This amino acid position is conserved. In addition, the in silico prediction for this alteration is inconclusive. Based on the available evidence, the clinical significance of this variant remains unclear.

NM_002834.5(PTPN11):c.1102G>A (p.Val368Ile)

Gene: PTPN11 (protein tyrosine phosphatase non-receptor type 11; plus strand). Cytogenetic location: 12q24.13.
Variant type: single nucleotide variant.
Coding change: c.1102G>A on transcript NM_002834.5 (MANE Select); coding-DNA position 1102, G replaced by A.
Protein change: p.Val368Ile; replaces valine 368 with isoleucine.
Molecular consequence: missense variant.
Genome position (GRCh38, 1-based): chr12:112,482,083, G>A. VCF-style: chr12-112482083-G-A. GRCh37 (hg19) VCF-style: chr12-112919887-G-A.
Other names: c.1102G>A, p.Val368Ile (NM_001330437.2, NM_080601.3); c.1099G>A, p.Val367Ile (NM_001374625.1); short protein forms V368I, V367I.
Identifiers: ClinVar variation 3940397 (VCV003940397.1).